The following is an entry in ClinVar:

ClinVar aggregate classification (germline): Uncertain significance. Review status: criteria provided, multiple submitters, no conflicts (2 of 4 stars). 2 submissions from 2 submitters: Uncertain significance (2). Last evaluated 2023-10-06.

Conditions:
TCF20-related disorder. Also called: TCF20-related condition.

Submissions (2):

Labcorp Genetics (formerly Invitae), Labcorp
Classification: Uncertain significance. Last evaluated: 2023-10-06. Review status: criteria provided, single submitter. Criteria: Invitae Variant Classification Sherloc (09022015). Collection method: clinical testing. Allele origin: germline.
Comment: This sequence change replaces threonine, which is neutral and polar, with isoleucine, which is neutral and non-polar, at codon 469 of the TCF20 protein (p.Thr469Ile). This variant is not present in population databases (gnomAD no frequency). This variant has not been reported in the literature in individuals affected with TCF20-related conditions. ClinVar contains an entry for this variant (Variation ID: 1468810). An algorithm developed to predict the effect of missense changes on protein structure and function (PolyPhen-2) suggests that this variant is likely to be disruptive. In summary, the available evidence is currently insufficient to determine the role of this variant in disease. Therefore, it has been classified as a Variant of Uncertain Significance.

PreventionGenetics, part of Exact Sciences
Classification: Uncertain significance for TCF20-related condition. Last evaluated: 2023-08-04. Review status: criteria provided, single submitter. Criteria: ACMG Guidelines, 2015. Collection method: clinical testing. Allele origin: germline.
Comment: The TCF20 c.1406C>T variant is predicted to result in the amino acid substitution p.Thr469Ile. To our knowledge, this variant has not been reported in the literature or in a large population database, indicating this variant is rare. At this time, the clinical significance of this variant is uncertain due to the absence of conclusive functional and genetic evidence.

NM_001378418.1(TCF20):c.1406C>T (p.Thr469Ile)

Gene: TCF20 (transcription factor 20; minus strand). Cytogenetic location: 22q13.2.
Variant type: single nucleotide variant.
Coding change: c.1406C>T on transcript NM_001378418.1 (MANE Select); coding-DNA position 1406, C replaced by T.
Protein change: p.Thr469Ile; replaces threonine 469 with isoleucine.
Molecular consequence: missense variant.
Genome position (GRCh38, 1-based): chr22:42,213,900, G>A on the plus strand (C>T on the coding strand, the complement: TCF20 is on the minus strand). VCF-style: chr22-42213900-G-A. GRCh37 (hg19) VCF-style: chr22-42609906-G-A.
Other names: c.1406C>T, p.Thr469Ile (NM_005650.4, NM_181492.3); c.1406C>T (NM_005650.3); short protein forms T469I.
Identifiers: ClinVar variation 1468810 (VCV001468810.7), dbSNP rs2147217177, ClinGen allele CA411790883.